The following is an entry in ClinVar:

ClinVar aggregate classification (germline): Benign/Likely benign. Review status: criteria provided, multiple submitters, no conflicts (2 of 4 stars). 5 submissions from 5 submitters: Benign (3); Likely benign (2). Last evaluated 2026-01-28.

Conditions:
Chondrodysplasia punctata, brachytelephalangic, autosomal. Also called: BRACHYTELEPHALANGIC CHONDRODYSPLASIA PUNCTATA. Identifiers: MedGen C1844853, MONDO:0011238, OMIM 602497.
X-linked chondrodysplasia punctata 1 (CDPX1). Also called: Chondrodysplasia punctata, X-linked recessive; CHONDRODYSPLASIA PUNCTATA, BRACHYTELEPHALANGIC. Identifiers: Orphanet 79345, MedGen C3669395, MONDO:0010555, OMIM 302950.

Allele frequency attached by ClinVar (database versions not stated): gnomAD exomes 0.00183 and 0.00065; ExAC 0.00186; 1000 Genomes Project 0.00450; 1000 Genomes Project 30x 0.00479; gnomAD 0.00075 and 0.00052; TOPMed 0.00096.

Submissions (5):

Labcorp Genetics (formerly Invitae), Labcorp
Classification: Benign for Chondrodysplasia punctata, brachytelephalangic, autosomal. Last evaluated: 2026-01-28. Review status: criteria provided, single submitter. Criteria: Invitae Variant Classification Sherloc (09022015). Collection method: clinical testing. Allele origin: germline.

Blueprint Genetics
Classification: Likely benign. Last evaluated: 2024-11-25. Review status: criteria provided, single submitter. Criteria: ACMG Guidelines, 2015. Collection method: clinical testing. Allele origin: germline.

ARUP Laboratories, Molecular Genetics and Genomics, ARUP Laboratories
Classification: Benign for X-linked chondrodysplasia punctata 1. Last evaluated: 2021-11-30. Review status: criteria provided, single submitter. Criteria: ARUP Molecular Germline Variant Investigation Process 2021. Collection method: clinical testing. Allele origin: germline.

GeneDx
Classification: Benign. Last evaluated: 2019-11-20. Review status: criteria provided, single submitter. Criteria: GeneDx Variant Classification Process June 2021. Collection method: clinical testing. Allele origin: germline. Affected: yes.

Center for Pediatric Genomic Medicine, Children's Mercy Hospital and Clinics
Classification: Likely benign. Last evaluated: 2014-12-05. Review status: criteria provided, single submitter. Criteria: ACMG Guidelines, 2015. Collection method: clinical testing. Allele origin: germline.
ClinVar note: Converted during submission from Likely Benign to Likely benign.

NM_000047.3(ARSL):c.775C>G (p.His259Asp)

Gene: ARSL (arylsulfatase L; minus strand). Cytogenetic location: Xp22.33.
Variant type: single nucleotide variant.
Coding change: c.775C>G on transcript NM_000047.3 (MANE Select); coding-DNA position 775, C replaced by G.
Protein change: p.His259Asp; replaces histidine 259 with aspartic acid.
Molecular consequence: missense variant.
Genome position (GRCh38, 1-based): chrX:2,949,383, G>C on the plus strand (C>G on the coding strand, the complement: ARSL is on the minus strand). VCF-style: chrX-2949383-G-C. GRCh37 (hg19) VCF-style: chrX-2867424-G-C.
Other names: c.850C>G, p.His284Asp (NM_001282628.2, NM_001369080.1); c.613C>G, p.His205Asp (NM_001282631.2); c.802C>G, p.His268Asp (NM_001369079.1); short protein forms H259D, H205D, H284D, H268D.
Identifiers: ClinVar variation 235491 (VCV000235491.25), dbSNP rs138149353, ClinGen allele CA10338149.
Genomic context (GRCh38, chrX:2,949,383, plus strand): 5'-CCTCCTGCAGAATAAGGGGTGTCGTTCTTTGGAAGCACATGGGCTGCTCCGTGATGGTGT[G>C]GTTTCTCATCAGAAAGCAATCGGCATGGACAATCAGAGCACCCACAAAATAGGAGCTTGC-3'
Protein context (NP_000038.2, residues 249-269): VHADCFLMRN[His259Asp]TITEQPMCFQ